The following is an entry in ClinVar:

ClinVar aggregate classification (germline): Uncertain significance. Review status: criteria provided, multiple submitters, no conflicts (2 of 4 stars). 2 submissions from 2 submitters: Uncertain significance (2). Last evaluated 2023-09-26.

Conditions:
Glycogen storage disease due to muscle beta-enolase deficiency (GSD13). Also called: ENOLASE 3 DEFICIENCY; ENOLASE-BETA DEFICIENCY; GSD XIII; Glycogen Storage Disease Type XIII. Identifiers: Orphanet 99849, MedGen C2752027, MONDO:0013046, OMIM 612932.

Allele frequency attached by ClinVar (database versions not stated): gnomAD 0.00006; ExAC 0.00008; ESP Exome Variant Server 0.00008.
gnomAD v4.1: 75 of 1,608,290 alleles (0.0047%); highest among the groups gnomAD compares: Non-Finnish European, 0.0034%; no homozygotes.

Submissions (2):

Blueprint Genetics
Classification: Uncertain significance. Last evaluated: 2023-09-26. Review status: criteria provided, single submitter. Criteria: ACMG Guidelines, 2015. Collection method: clinical testing. Allele origin: germline.

Labcorp Genetics (formerly Invitae), Labcorp
Classification: Uncertain significance for Glycogen storage disease due to muscle beta-enolase deficiency. Last evaluated: 2020-06-16. Review status: criteria provided, single submitter. Criteria: Invitae Variant Classification Sherloc (09022015). Collection method: clinical testing. Allele origin: germline.
Comment: This sequence change creates a premature translational stop signal (p.Arg30*) in the ENO3 gene. It is expected to result in an absent or disrupted protein product. This variant is present in population databases (rs201859879, ExAC 0.02%). This variant has not been reported in the literature in individuals with ENO3-related conditions. The current clinical and genetic evidence is not sufficient to establish whether loss-of-function variants in ENO3 cause disease. In summary, the available evidence is currently insufficient to determine the role of this variant in disease. Therefore, it has been classified as a Variant of Uncertain Significance.

NM_053013.4(ENO3):c.88C>T (p.Arg30Ter)

Gene: ENO3 (enolase 3; plus strand). Cytogenetic location: 17p13.2.
Variant type: single nucleotide variant.
Coding change: c.88C>T on transcript NM_053013.4 (MANE Select); coding-DNA position 88, C replaced by T.
Protein change: p.Arg30Ter; replaces arginine 30 with a stop codon.
Molecular consequence: nonsense.
Genome position (GRCh38, 1-based): chr17:4,952,797, C>T. VCF-style: chr17-4952797-C-T. GRCh37 (hg19) VCF-style: chr17-4856092-C-T.
Other names: c.88C>T, p.Arg30Ter (NM_001193503.2, NM_001374523.1, NM_001976.5); c.115C>T, p.Arg39Ter (NM_001374524.1); short protein forms R30*, R39*.
Identifiers: ClinVar variation 2067717 (VCV002067717.2), dbSNP rs201859879, ClinGen allele CA8316140.